The following is an entry in ClinVar:

ClinVar aggregate classification (germline): Conflicting classifications of pathogenicity. Review status: criteria provided, conflicting classifications (1 of 4 stars). 2 submissions from 2 submitters: Uncertain significance (1); Likely benign (1). Last evaluated 2024-03-13.

Conditions:
Melnick-Needles syndrome (MNS). Also called: MELNICK-NEEDLES OSTEODYSPLASTY; OSTEODYSPLASTY OF MELNICK AND NEEDLES; Melnick-Needles Syndrome (FLNA-MNS). Identifiers: Orphanet 2484, MedGen C0025237, MONDO:0010650, OMIM 309350.
Frontometaphyseal dysplasia (FMD1). Identifiers: MONDO:0015942, Orphanet 1826, MedGen C0265293.
Oto-palato-digital syndrome, type II (OPD2). Also called: Otopalatodigital Syndrome, Type II; FACIOPALATOOSSEOUS SYNDROME; OPD II SYNDROME; Otopalatodigital Syndrome Type 2 (FLNA-OPD2). Identifiers: Orphanet 669, Orphanet 90652, MedGen C1844696, MONDO:0010571, OMIM 304120.
Heterotopia, periventricular, X-linked dominant (PVNH1). Also called: X-linked periventricular heterotopia; PERIVENTRICULAR NODULAR HETEROTOPIA 4; HETEROTOPIA, PERIVENTRICULAR, 1; PERIVENTRICULAR NODULAR HETEROTOPIA 1. Identifiers: Orphanet 2149, Orphanet 82004, MedGen C1848213, MONDO:0010233, OMIM 300049.

Allele frequency attached by ClinVar (database versions not stated): gnomAD exomes below 0.00001 and 0.00001; ExAC 0.00001.
gnomAD v4.1: 3 of 1,211,583 alleles (0.00025%); highest among the groups gnomAD compares: Non-Finnish European, 0.00022%; no homozygotes.

Submissions (2):

Labcorp Genetics (formerly Invitae), Labcorp
Classification: Likely benign for Oto-palato-digital syndrome, type II; Heterotopia, periventricular, X-linked dominant; Frontometaphyseal dysplasia; Melnick-Needles syndrome. Last evaluated: 2024-03-13. Review status: criteria provided, single submitter. Criteria: Invitae Variant Classification Sherloc (09022015). Collection method: clinical testing. Allele origin: germline.

GeneDx
Classification: Uncertain significance. Last evaluated: 2019-03-29. Review status: criteria provided, single submitter. Criteria: GeneDx Variant Classification Process June 2021. Collection method: clinical testing. Allele origin: germline. Affected: yes.
Comment: In silico analysis, which includes protein predictors and evolutionary conservation, supports a deleterious effect; Has not been previously published as pathogenic or benign to our knowledge

NM_001110556.2(FLNA):c.5461A>G (p.Thr1821Ala)

Gene: FLNA (filamin A; minus strand). Cytogenetic location: Xq28.
Variant type: single nucleotide variant.
Coding change: c.5461A>G on transcript NM_001110556.2 (MANE Select); coding-DNA position 5461, A replaced by G.
Protein change: p.Thr1821Ala; replaces threonine 1821 with alanine.
Molecular consequence: missense variant.
Genome position (GRCh38, 1-based): chrX:154,354,247, T>C on the plus strand (A>G on the coding strand, the complement: FLNA is on the minus strand). VCF-style: chrX-154354247-T-C. GRCh37 (hg19) VCF-style: chrX-153582615-T-C.
Other names: c.5437A>G, p.Thr1813Ala (NM_001456.4); short protein forms T1813A, T1821A.
Identifiers: ClinVar variation 1308352 (VCV001308352.4), dbSNP rs782241871, ClinGen allele CA10560308.